The following is an entry in ClinVar:

ClinVar aggregate classification (germline): Uncertain significance (1 of 4 stars; one submission).

Submission:

GeneDx
Classification: Uncertain significance. Last evaluated: 2017-06-27. Review status: criteria provided, single submitter. Criteria: GeneDx Variant Classification (06012015). Collection method: clinical testing. Allele origin: germline. Affected: yes.
Comment: A variant of uncertain significance has been identified in the RYR2 gene. The c.14655+5 G>C variant has not been published as pathogenic or been reported as benign to our knowledge. This variant is also not observed in large population cohorts (Lek et al., 2016; 1000 Genomes Consortium et al., 2015; Exome Variant Server). Two of three in silico splice prediction programs predict this variant may reduce the efficiency of the natural donor site in intron 102 of the RYR2 gene, which may affect gene splicing. However, in the absence of functional mRNA studies, the physiological consequence of this variant cannot be precisely determined. Furthermore, no other splice site variants definitively associated with cardiomyopathy, or other RYR2-related disorders, have been reported in HGMD (Stenson et al., 2014). Lastly, this substitution occurs at a nucleotide that is not conserved across species.

NM_001035.3(RYR2):c.14655+5G>C

Gene: RYR2 (ryanodine receptor 2; plus strand). Cytogenetic location: 1q43.
Variant type: single nucleotide variant.
Coding change: c.14655+5G>C on transcript NM_001035.3 (MANE Select); 5 bases into the intron after coding-DNA position 14655, G replaced by C.
Molecular consequence: intron variant.
Genome position (GRCh38, 1-based): chr1:237,828,450, G>C. VCF-style: chr1-237828450-G-C. GRCh37 (hg19) VCF-style: chr1-237991750-G-C.
Other names: c.14655+5G>C (LRG_402t1).
Identifiers: ClinVar variation 432967 (VCV000432967.2), dbSNP rs1404208611, ClinGen allele CA645372358.